The following is an entry in ClinVar:

ClinVar aggregate classification (germline): Pathogenic/Likely pathogenic. Review status: criteria provided, multiple submitters, no conflicts (2 of 4 stars). 6 submissions from 6 submitters: Pathogenic (3); Likely pathogenic (3). Last evaluated 2025-08-06.

Conditions:
Nonsyndromic congenital nail disorder 8. Also called: TOENAIL DYSTROPHY, ISOLATED. Identifiers: MedGen C1843761, MONDO:0011852, OMIM 607523.
Recessive dystrophic epidermolysis bullosa (RDEB). Also called: epidermolysis bullosa dystrophica, autosomal recessive; DYSTROPHIC EPIDERMOLYSIS BULLOSA, AUTOSOMAL RECESSIVE; EPIDERMOLYSIS BULLOSA DYSTROPHICA, HALLOPEAU-SIEMENS TYPE; EPIDERMOLYSIS BULLOSA DYSTROPHICA, GENERALIZED SEVERE, AUTOSOMAL RECESSIVE; Hallopeau-Siemens Disease; Recessive DEB (RDEB). Identifiers: Orphanet 79408, Orphanet 79409, MedGen C0079474, MONDO:0009179, OMIM 226600.
Dominant dystrophic epidermolysis bullosa with absence of skin. Also called: EPIDERMOLYSIS BULLOSA WITH CONGENITAL LOCALIZED ABSENCE OF SKIN AND DEFORMITY OF NAILS; EPIDERMOLYSIS BULLOSA DYSTROPHICA, BART TYPE. Identifiers: MedGen C0268371, MONDO:0007557, OMIM 132000.
Pretibial dystrophic epidermolysis bullosa. Also called: EPIDERMOLYSIS BULLOSA DYSTROPHICA, PRETIBIAL; Pretibial epidermolysis bullosa; Pretibial blistering. Identifiers: Orphanet 79410, MedGen C0432321, MONDO:0007552, OMIM 131850, HP:0012221.
Transient bullous dermolysis of the newborn (TBDN). Also called: EPIDERMOLYSIS BULLOSA DYSTROPHICA, NEONATAL FORM; DYSTROPHIC EPIDERMOLYSIS BULLOSA, NEONATAL. Identifiers: Orphanet 79411, MedGen C1851573, MONDO:0007548, OMIM 131705.
Epidermolysis bullosa pruriginosa. Also called: DEB, PRURIGINOSA; DYSTROPHIC EPIDERMOLYSIS BULLOSA PRURIGINOSA. Identifiers: Orphanet 89843, MedGen C1275114, MONDO:0011398, OMIM 604129.
Generalized dominant dystrophic epidermolysis bullosa (DDEB). Also called: DDEB, generalized; DDEB-gen; DYSTROPHIC EPIDERMOLYSIS BULLOSA, AUTOSOMAL DOMINANT; Epidermolysis bullosa dystrophica, autosomal dominant; Dominant DEB (DDEB). Identifiers: Orphanet 231568, MedGen C0432322, MONDO:0007549, OMIM 131750.
Epidermolysis bullosa dystrophica. Also called: Dystrophic epidermolysis bullosa, Hallopeau-Siemens type (formerly); Dystrophic epidermolysis bullosa. Identifiers: Orphanet 303, MedGen C0079294, MONDO:0006543.

Allele frequency attached by ClinVar (database versions not stated): TOPMed below 0.00001; gnomAD exomes 0.00001 and 0.00002; ExAC 0.00004; ESP Exome Variant Server 0.00008.
gnomAD v4.1: 16 of 1,613,986 alleles (0.00099%); highest among the groups gnomAD compares: South Asian, 0.0088%; no homozygotes.

Submissions (6):

Natera, Inc.
Classification: Likely pathogenic for Dystrophic epidermolysis bullosa. Last evaluated: 2025-08-06. Review status: criteria provided, single submitter. Criteria: Natera Variant Classification Schema (03/2026). Collection method: clinical testing. Allele origin: germline.
Comment: The c.5560G>A variant in COL7A1 is a missense variant predicted to cause substitution of glycine to arginine at amino acid 1854. This variant is rare in the general population with a frequency below the threshold expected for the associated phenotype(s). This variant has been observed in one or more individuals affected with the associated recessive disease, as either homozygous or compound heterozygous with a second variant (PMID: 36287101, 35979658, 34671977). Computational prediction algorithms indicate this variant is likely to affect gene or protein function. Given the available evidence, this variant is classified as Likely Pathogenic.

Fulgent Genetics
Classification: Pathogenic for Transient bullous dermolysis of the newborn; Generalized dominant dystrophic epidermolysis bullosa; Pretibial dystrophic epidermolysis bullosa; Dominant dystrophic epidermolysis bullosa with absence of skin; Recessive dystrophic epidermolysis bullosa; Epidermolysis bullosa pruriginosa; Nonsyndromic congenital nail disorder 8. Last evaluated: 2024-04-02. Review status: criteria provided, single submitter. Criteria: ACMG Guidelines, 2015. Collection method: clinical testing. Allele origin: germline.

Labcorp Genetics (formerly Invitae), Labcorp
Classification: Pathogenic. Last evaluated: 2023-10-24. Review status: criteria provided, single submitter. Criteria: Invitae Variant Classification Sherloc (09022015). Collection method: clinical testing. Allele origin: germline.
Comment: This sequence change replaces glycine, which is neutral and non-polar, with arginine, which is basic and polar, at codon 1854 of the COL7A1 protein (p.Gly1854Arg). This variant is present in population databases (rs146234310, gnomAD 0.01%). This missense change has been observed in individual(s) with autosomal recessive dystrophic epidermolysis bullosa (PMID: 35979658, 36287101). In at least one individual the data is consistent with being in trans (on the opposite chromosome) from a pathogenic variant. ClinVar contains an entry for this variant (Variation ID: 1526043). Advanced modeling of protein sequence and biophysical properties (such as structural, functional, and spatial information, amino acid conservation, physicochemical variation, residue mobility, and thermodynamic stability) performed at Invitae indicates that this missense variant is expected to disrupt COL7A1 protein function with a positive predictive value of 95%. This variant disrupts the triple helix domain of COL7A1. Glycine residues within the Gly-Xaa-Yaa repeats of the triple helix domain are required for the structure and stability of fibrillar collagens (PMID: 7695699, 8218237, 19344236), and variants at these glycine residues in COL7A1 are more frequently observed in individuals with disease than in the general population (PMID: 22058051). However, the clinical significance of this observation remains uncertain since only a limited number of affected individuals have been described to date. For these reasons, this variant has been classified as Pathogenic.

GeneDx
Classification: Pathogenic. Last evaluated: 2022-12-23. Review status: criteria provided, single submitter. Criteria: GeneDx Variant Classification Process June 2021. Collection method: clinical testing. Allele origin: germline. Affected: yes.
Comment: Located in the highly conserved Gly-X-Y repeat of the collagenous domain; Glycine substitution variants in this region of the COLVII protein destabilize the collagen triple helix resulting in skin fragility due to poor anchoring of the basement membrane to the underlying dermis (Pfendner and Lucky, 2018); In silico analysis supports that this missense variant has a deleterious effect on protein structure/function; This variant is associated with the following publications: (PMID: 10084325, 33502061, 35979658)

3billion
Classification: Likely pathogenic for Recessive dystrophic epidermolysis bullosa. Last evaluated: 2022-03-22. Review status: criteria provided, single submitter. Criteria: ACMG Guidelines, 2015. Collection method: clinical testing. Allele origin: germline. Affected: yes. Observed: 1 homozygote.
Comment: Same or different nucleotide change resulting in same amino acid change has been previously reported to be associated with [GeneName] related disorder (PMID:33502061). In silico tool predictions suggest damaging effect of the variant on gene or gene product (REVEL: 0.966>=0.6, 3CNET: 0.976>=0.75). The variant is located in a mutational hot spot and/or well-established functional domain in which established pathogenic variants have been reported. It is observed at an extremely low frequency in the gnomAD v2.1.1 dataset (total allele frequency: 0.0000239). Therefore, this variant is classified as likely pathogenic according to the recommendation of ACMG/AMP guideline.

Center for Research in Genodermatoses and Epidermolysis Bullosa, University of Buenos Aires
Classification: Likely pathogenic for Recessive dystrophic epidermolysis bullosa. Last evaluated: 2022-03-14. Review status: criteria provided, single submitter. Criteria: ACMG Guidelines, 2015. Collection method: clinical testing. Allele origin: germline. Affected: yes. Observed: 2 variant alleles, 2 compound heterozygotes.

Literature cited by the submitters: PubMed 36287101 (cited by Natera, Inc. and Labcorp Genetics (formerly Invitae), Labcorp); PubMed 35979658 (cited by 3 submitters); PubMed 34671977 (cited by Natera, Inc.); PubMed 7695699 (cited by Labcorp Genetics (formerly Invitae), Labcorp); PubMed 8218237 (cited by Labcorp Genetics (formerly Invitae), Labcorp); PubMed 19344236 (cited by Labcorp Genetics (formerly Invitae), Labcorp); PubMed 22058051 (cited by Labcorp Genetics (formerly Invitae), Labcorp); PubMed 33502061 (cited by 3billion).

NM_000094.4(COL7A1):c.5560G>A (p.Gly1854Arg)

Gene: COL7A1 (collagen type VII alpha 1 chain; minus strand). Cytogenetic location: 3p21.31.
Variant type: single nucleotide variant.
Coding change: c.5560G>A on transcript NM_000094.4 (MANE Select); coding-DNA position 5560, G replaced by A.
Protein change: p.Gly1854Arg; replaces glycine 1854 with arginine.
Molecular consequence: missense variant.
Genome position (GRCh38, 1-based): chr3:48,577,000, C>T on the plus strand (G>A on the coding strand, the complement: COL7A1 is on the minus strand). VCF-style: chr3-48577000-C-T. GRCh37 (hg19) VCF-style: chr3-48614433-C-T.
Other names: c.5560G>A (NM_000094.3); short protein forms G1854R.
Identifiers: ClinVar variation 1526043 (VCV001526043.27), dbSNP rs146234310, ClinGen allele CA2379435.
Genomic context (GRCh38, chr3:48,577,000, plus strand): 5'-TCAGGCATGGCTCCAAGCAGAGACCAGAGAGACCCCAGGTGGGGGACTTTACCTTCCTCC[C>T]GTCTTCTCCAGGGTCCCCAGGTTCTCCCTGTGGGCAGAGGACTCACATCAGCCCAAACAT-3'
Protein context (NP_000085.1, residues 1844-1864): NGEPGDPGED[Gly1854Arg]RKGEKGDSGA